The following is an entry in ClinVar:

NM_198578.4(LRRK2):c.439A>G (p.Lys147Glu)

Gene: LRRK2 (leucine rich repeat kinase 2; plus strand). Cytogenetic location: 12q12.
Variant type: single nucleotide variant.
Coding change: c.439A>G on transcript NM_198578.4 (MANE Select); coding-DNA position 439, A replaced by G.
Protein change: p.Lys147Glu; replaces lysine 147 with glutamic acid.
Molecular consequence: missense variant.
Genome position (GRCh38, 1-based): chr12:40,237,971, A>G. VCF-style: chr12-40237971-A-G. GRCh37 (hg19) VCF-style: chr12-40631773-A-G.
Other names: short protein forms K147E.
Identifiers: ClinVar variation 3229647 (VCV003229647.1), dbSNP rs2499418894, ClinGen allele CA384403630.
Genomic context (GRCh38, chr12:40,237,971, plus strand): 5'-AACACATTAAATGTTAAAGCAGCTCTTTACTCAGAGCATATTATTCTCTTTAAAATAGGT[A>G]AAATCACCTTGCTGATATTGGATGAAGAAAGTGATATTTTCATGTTAATTTTTGATGCCA-3'
Protein context (NP_940980.4, residues 137-157): KTLDLLLTSG[Lys147Glu]ITLLILDEES

ClinVar aggregate classification (germline): Uncertain significance (1 of 4 stars; one submission).

Conditions:
Inborn genetic diseases. Identifiers: MedGen C0950123, MeSH D030342.

Submission:

Ambry Genetics
Classification: Uncertain significance for Inborn genetic diseases. Last evaluated: 2023-10-06. Review status: criteria provided, single submitter. Criteria: Ambry Variant Classification Scheme 2023. Collection method: clinical testing. Allele origin: germline.
Comment: The p.K147E variant (also known as c.439A>G), located in coding exon 5 of the LRRK2 gene, results from an A to G substitution at nucleotide position 439. The lysine at codon 147 is replaced by glutamic acid, an amino acid with similar properties. This amino acid position is conserved. In addition, this alteration is predicted to be tolerated by in silico analysis. Since supporting evidence is limited at this time, the clinical significance of this alteration remains unclear.